The following is an entry in ClinVar:

NM_058216.3(RAD51C):c.577C>A (p.Arg193=)

Gene: RAD51C (RAD51 paralog C; plus strand). Cytogenetic location: 17q22.
Variant type: single nucleotide variant.
Coding change: c.577C>A on transcript NM_058216.3 (MANE Select); coding-DNA position 577, C replaced by A.
Protein change: p.Arg193=; no amino-acid change (arginine 193 retained).
Molecular consequence: synonymous variant. On other transcripts: non-coding transcript variant (1).
Genome position (GRCh38, 1-based): chr17:58,703,201, C>A. VCF-style: chr17-58703201-C-A. GRCh37 (hg19) VCF-style: chr17-56780562-C-A.
Other names: c.577C>A (NM_058216.1).
Identifiers: ClinVar variation 917578 (VCV000917578.10), dbSNP rs200293302, ClinGen allele CA501075186.

ClinVar aggregate classification (germline): Likely benign. Review status: criteria provided, multiple submitters, no conflicts (2 of 4 stars). 3 submissions from 3 submitters: Likely benign (3). Last evaluated 2023-11-04.

Conditions:
Hereditary cancer-predisposing syndrome. Also called: Hereditary Cancer Syndrome; Hereditary neoplastic syndrome; Neoplastic Syndromes, Hereditary; Tumor predisposition. Identifiers: Orphanet 140162, MedGen C0027672, MeSH D009386, MONDO:0015356.
Fanconi anemia complementation group O. Also called: RAD51C-Related Fanconi Anemia. Identifiers: Orphanet 84, MedGen C3150653, MONDO:0013248, OMIM 613390.

Submissions (3):

Ambry Genetics
Classification: Likely benign for Hereditary cancer-predisposing syndrome. Last evaluated: 2023-11-04. Review status: criteria provided, single submitter. Criteria: Ambry Variant Classification Scheme 2023. Collection method: clinical testing. Allele origin: germline.

Labcorp Genetics (formerly Invitae), Labcorp
Classification: Likely benign for Fanconi anemia complementation group O. Last evaluated: 2020-12-14. Review status: criteria provided, single submitter. Criteria: Invitae Variant Classification Sherloc (09022015). Collection method: clinical testing. Allele origin: germline.

Women's Health and Genetics/Laboratory Corporation of America, LabCorp
Classification: Likely benign. Last evaluated: 2020-01-17. Review status: criteria provided, single submitter. Criteria: LabCorp Variant Classification Summary - May 2015. Collection method: clinical testing. Allele origin: germline.
Comment: Variant summary: RAD51C c.577C>A results in a synonymous change. 4/4 computational tools predict no significant impact on normal splicing. However, these predictions have yet to be confirmed by functional studies. The variant was absent in 251204 control chromosomes. The available data on variant occurrences in the general population are insufficient to allow any conclusion about variant significance. No clinical diagnostic laboratories have submitted clinical-significance assessments for this variant to ClinVar after 2014. Based on the evidence outlined above, the variant was classified as likely benign.